The following is an entry in ClinVar:

ClinVar aggregate classification (germline): Benign/Likely benign. Review status: criteria provided, multiple submitters, no conflicts (2 of 4 stars). 3 submissions from 3 submitters: Benign (1); Likely benign (2). Last evaluated 2025-12-01.

Allele frequency attached by ClinVar (database versions not stated): gnomAD exomes 0.00065; ExAC 0.00136; ESP Exome Variant Server 0.00210; gnomAD 0.00264 and 0.00282; TOPMed 0.00294; 1000 Genomes Project 0.00339; 1000 Genomes Project 30x 0.00344.
gnomAD v4.1: 773 of 1,594,736 alleles (0.048%); highest among the groups gnomAD compares: African/African-American, 0.9%; 2 homozygotes.

Submissions (3):

CeGaT Center for Human Genetics Tuebingen
Classification: Likely benign. Last evaluated: 2025-12-01. Review status: criteria provided, single submitter. Criteria: CeGaT Center For Human Genetics Tuebingen Variant Classification Criteria Version 2. Collection method: clinical testing. Allele origin: germline. Affected: yes. Observed: 3 variant alleles.
Comment: ADAT3: BP4, BP7

Blueprint Genetics
Classification: Likely benign. Last evaluated: 2024-07-05. Review status: criteria provided, single submitter. Criteria: ACMG Guidelines, 2015. Collection method: clinical testing. Allele origin: germline.

Labcorp Genetics (formerly Invitae), Labcorp
Classification: Benign. Last evaluated: 2019-12-31. Review status: criteria provided, single submitter. Criteria: Invitae Variant Classification Sherloc (09022015). Collection method: clinical testing. Allele origin: germline.

NM_138422.4(ADAT3):c.216C>G (p.Thr72=)

Genes: ADAT3 (adenosine deaminase tRNA specific 3; plus strand), SCAMP4 (secretory carrier membrane protein 4; plus strand). Cytogenetic location: 19p13.3.
Variant type: single nucleotide variant.
Coding change: c.216C>G on transcript NM_138422.4 (MANE Select); coding-DNA position 216, C replaced by G.
Protein change: p.Thr72=; no amino-acid change (threonine 72 retained).
Molecular consequence: synonymous variant. On other transcripts: intron variant (3).
Genome position (GRCh38, 1-based): chr19:1,912,263, C>G. VCF-style: chr19-1912263-C-G. GRCh37 (hg19) VCF-style: chr19-1912262-C-G.
Other names: c.168C>G, p.Thr56= (NM_001329533.2); c.-41-2716C>G (NM_079834.4, NM_001329540.2); c.-125-5431C>G (NM_001329539.2).
Identifiers: ClinVar variation 788009 (VCV000788009.21), dbSNP rs140122850, ClinGen allele CA9054516.
Genomic context (GRCh38, chr19:1,912,263, plus strand): 5'-GTCAGGGGACGTGGAGCTGGTGCTGGCCTACGCCGCGCCCGTCCTGGACAAGCGCCAGAC[C>G]TCACGCCTCCTGAAGGAGGTGTCGGCCCTGCACCCGCTCCCCGCCCAGCCTCACCTCAAG-3'
Protein context (NP_612431.2, residues 62-82): YAAPVLDKRQ[Thr72=]SRLLKEVSAL